The following is an entry in ClinVar:

NM_004628.5(XPC):c.2020_2029del (p.Ala674fs)

Gene: XPC (XPC complex subunit, DNA damage recognition and repair factor; minus strand). Cytogenetic location: 3p25.1.
Variant type: Deletion.
Coding change: c.2020_2029del on transcript NM_004628.5 (MANE Select); coding-DNA positions 2020 to 2029, 10 bases deleted (GCGGTCTACT; older notation c.2020_2029delGCGGTCTACT).
Protein change: p.Ala674fs; shifts the reading frame from alanine 674.
Molecular consequence: frameshift variant. On other transcripts: intron variant (1).
Genome position (GRCh38, 1-based): chr3:14,156,339-14,156,348, AGTAGACCGC deleted on the plus strand (GCGGTCTACT on the coding strand, the reverse complement: XPC is on the minus strand). VCF-style (leftmost placement, unchanged base first): chr3-14156338-GAGTAGACCGC-G. GRCh37 (hg19) VCF-style: chr3-14197838-GAGTAGACCGC-G.
Other names: c.2020_2029del (NM_004628.4); c.1441_1450del, p.Ala481fs (NM_001354726.2); c.2002_2011del, p.Ala668fs (NM_001354729.2); c.1774_1783del, p.Ala592fs (NM_001354730.2); c.2020_2029delGCGGTCTACT, p.Ala674Profs (NM_004628.4); c.1872+1663_1872+1672del (NM_001354727.2); short protein forms A674fs, A481fs, A592fs, A668fs.
Identifiers: ClinVar variation 1947826 (VCV001947826.6), dbSNP rs1246211702, ClinGen allele CA899795994.

ClinVar aggregate classification (germline): Pathogenic/Likely pathogenic. Review status: criteria provided, multiple submitters, no conflicts (2 of 4 stars). 2 submissions from 2 submitters: Pathogenic (1); Likely pathogenic (1). Last evaluated 2024-06-27.

Conditions:
Xeroderma pigmentosum, group C (XPC). Also called: XERODERMA PIGMENTOSUM III; XP, GROUP C; Xeroderma pigmentosum, complementation group C; XPC-Related Xeroderma Pigmentosum. Identifiers: Orphanet 910, MedGen C2752147, MONDO:0010211, OMIM 278720.

Allele frequency attached by ClinVar (database versions not stated): TOPMed below 0.00001; gnomAD 0.00001.

Submissions (2):

Revvity Omics, Revvity
Classification: Likely pathogenic for Xeroderma pigmentosum, group C. Last evaluated: 2024-06-27. Review status: criteria provided, single submitter. Criteria: ACMG Guidelines, 2015. Collection method: clinical testing. Allele origin: germline.

Labcorp Genetics (formerly Invitae), Labcorp
Classification: Pathogenic. Last evaluated: 2022-06-15. Review status: criteria provided, single submitter. Criteria: Invitae Variant Classification Sherloc (09022015). Collection method: clinical testing. Allele origin: germline.
Comment: This sequence change creates a premature translational stop signal (p.Ala674Profs*15) in the XPC gene. It is expected to result in an absent or disrupted protein product. Loss-of-function variants in XPC are known to be pathogenic (PMID: 23173980, 25256075). This variant is not present in population databases (gnomAD no frequency). This variant has not been reported in the literature in individuals affected with XPC-related conditions. For these reasons, this variant has been classified as Pathogenic.

Literature cited by the submitters: PubMed 23173980 (cited by Labcorp Genetics (formerly Invitae), Labcorp); PubMed 25256075 (cited by Labcorp Genetics (formerly Invitae), Labcorp).